The following is an entry in ClinVar:

ClinVar aggregate classification (germline): Uncertain significance. Review status: criteria provided, multiple submitters, no conflicts (2 of 4 stars). 4 submissions from 4 submitters: Uncertain significance (4). Last evaluated 2026-02-17.

Conditions:
Short-rib thoracic dysplasia 10 with or without polydactyly (SRTD10). Identifiers: Orphanet 474, MedGen C3810175, MONDO:0014284, OMIM 615630.
Bardet-Biedl syndrome 20. Identifiers: MedGen C4310707, MONDO:0023670, OMIM 619471, MONDO:0014926.
Retinitis pigmentosa 71 (RP71). Identifiers: Orphanet 791, MedGen C4225342, MONDO:0014618, OMIM 616394.
IFT172-related disorder. Also called: IFT172-related disorders; IFT172-related condition.
Inborn genetic diseases. Identifiers: MedGen C0950123, MeSH D030342.

gnomAD v4.1: 1 of 1,614,096 alleles (0.000062%); highest among the groups gnomAD compares: Non-Finnish European, 0.000085%; no homozygotes.

Submissions (4):

PreventionGenetics, part of Exact Sciences
Classification: Uncertain significance for IFT172-related condition. Last evaluated: 2026-02-17. Review status: criteria provided, single submitter. Criteria: ACMG Guidelines, 2015. Collection method: clinical testing. Allele origin: germline.
Comment: The IFT172 c.1835C>T variant is predicted to result in the amino acid substitution p.Thr612Ile. To our knowledge, this variant has not been reported in the literature or in a large population database (gnomAD), indicating this variant is rare. At this time, the clinical significance of this variant is uncertain due to the absence of conclusive functional and genetic evidence.

Ambry Genetics
Classification: Uncertain significance for Inborn genetic diseases. Last evaluated: 2025-05-28. Review status: criteria provided, single submitter. Criteria: Ambry Variant Classification Scheme 2023. Collection method: clinical testing. Allele origin: germline.

Blueprint Genetics
Classification: Uncertain significance. Last evaluated: 2024-09-10. Review status: criteria provided, single submitter. Criteria: ACMG Guidelines, 2015. Collection method: clinical testing. Allele origin: germline.

Fulgent Genetics
Classification: Uncertain significance for Short-rib thoracic dysplasia 10 with or without polydactyly; Retinitis pigmentosa 71; Bardet-Biedl syndrome 20. Last evaluated: 2024-03-20. Review status: criteria provided, single submitter. Criteria: ACMG Guidelines, 2015. Collection method: clinical testing. Allele origin: germline.

NM_015662.3(IFT172):c.1835C>T (p.Thr612Ile)

Gene: IFT172 (intraflagellar transport 172; minus strand). Cytogenetic location: 2p23.3.
Variant type: single nucleotide variant.
Coding change: c.1835C>T on transcript NM_015662.3 (MANE Select); coding-DNA position 1835, C replaced by T.
Protein change: p.Thr612Ile; replaces threonine 612 with isoleucine.
Molecular consequence: missense variant.
Genome position (GRCh38, 1-based): chr2:27,465,513, G>A on the plus strand (C>T on the coding strand, the complement: IFT172 is on the minus strand). VCF-style: chr2-27465513-G-A. GRCh37 (hg19) VCF-style: chr2-27688380-G-A.
Other names: c.1835C>T (NM_015662.2, NM_015662.1); c.1769C>T, p.Thr590Ile (NM_001410739.1); short protein forms T590I, T612I.
Identifiers: ClinVar variation 3586346 (VCV003586346.4).